The following is an entry in ClinVar:

NM_024640.4(YRDC):c.13C>T (p.Arg5Cys)

Genes: YRDC (yrdC N6-threonylcarbamoyltransferase domain containing; minus strand), C1orf122 (chromosome 1 open reading frame 122; plus strand). Cytogenetic location: 1p34.3.
Variant type: single nucleotide variant.
Coding change: c.13C>T on transcript NM_024640.4 (MANE Select); coding-DNA position 13, C replaced by T.
Protein change: p.Arg5Cys; replaces arginine 5 with cysteine.
Molecular consequence: missense variant. On other transcripts: 5 prime UTR variant (2).
Genome position (GRCh38, 1-based): chr1:37,808,168, G>A on the plus strand (C>T on the coding strand, the complement: YRDC is on the minus strand). VCF-style: chr1-37808168-G-A. GRCh37 (hg19) VCF-style: chr1-38273840-G-A.
Other names: c.-293G>A (NM_001142726.2); c.-237G>A (NM_198446.3); short protein forms R5C.
Identifiers: ClinVar variation 2062173 (VCV002062173.4), dbSNP rs767090439, ClinGen allele CA774878.
Genomic context (GRCh38, chr1:37,808,168, plus strand): 5'-CAGGCCCCTCGCTCAACCCCACGCTGGCAGCCACCGCGGCCCTCATCCCCCTGCACCGAC[G>A]CGCCGGAGACATCCGCCCAGGCCCGCTTCCGGGAGGAAGTGACGCTCCCAGCCAGCTTCC-3'
Protein context (NP_078916.3, residues 1-15): MSPA[Arg5Cys]RCRGMRAAVA

ClinVar aggregate classification (germline): Uncertain significance (1 of 4 stars; one submission).

Allele frequency attached by ClinVar (database versions not stated): gnomAD 0.00001; ExAC 0.00013.

Submission:

Labcorp Genetics (formerly Invitae), Labcorp
Classification: Uncertain significance. Last evaluated: 2022-07-23. Review status: criteria provided, single submitter. Criteria: Invitae Variant Classification Sherloc (09022015). Collection method: clinical testing. Allele origin: germline.
Comment: This sequence change replaces arginine, which is basic and polar, with cysteine, which is neutral and slightly polar, at codon 5 of the YRDC protein (p.Arg5Cys). The frequency data for this variant in the population databases is considered unreliable, as metrics indicate poor data quality at this position in the gnomAD database. This variant has not been reported in the literature in individuals affected with YRDC-related conditions. Algorithms developed to predict the effect of missense changes on protein structure and function are either unavailable or do not agree on the potential impact of this missense change (SIFT: "Deleterious"; PolyPhen-2: "Benign"; Align-GVGD: "Class C0"). In summary, the available evidence is currently insufficient to determine the role of this variant in disease. Therefore, it has been classified as a Variant of Uncertain Significance.